The following is an entry in ClinVar:

ClinVar aggregate classification (germline): Likely benign (0 of 4 stars; one submission).

Conditions:
UNC13A-related disorder. Also called: UNC13A-related condition.

Allele frequency attached by ClinVar (database versions not stated): ExAC 0.00003; gnomAD 0.00013; TOPMed 0.00019.
gnomAD v4.1: 37 of 1,603,336 alleles (0.0023%); highest among the groups gnomAD compares: African/African-American, 0.048%; no homozygotes.

Submission:

PreventionGenetics, part of Exact Sciences
Classification: Likely benign for UNC13A-related condition. Last evaluated: 2022-11-28. Review status: no assertion criteria provided. Collection method: clinical testing. Allele origin: germline.
Comment: This variant is classified as likely benign based on ACMG/AMP sequence variant interpretation guidelines (Richards et al. 2015 PMID: 25741868, with internal and published modifications).

NM_001080421.3(UNC13A):c.3105A>C (p.Pro1035=)

Gene: UNC13A (unc-13 homolog A; minus strand). Cytogenetic location: 19p13.11.
Variant type: single nucleotide variant.
Coding change: c.3105A>C on transcript NM_001080421.3 (MANE Select); coding-DNA position 3105, A replaced by C.
Protein change: p.Pro1035=; no amino-acid change (proline 1035 retained).
Molecular consequence: synonymous variant.
Genome position (GRCh38, 1-based): chr19:17,636,134, T>G on the plus strand (A>C on the coding strand, the complement: UNC13A is on the minus strand). VCF-style: chr19-17636134-T-G. GRCh37 (hg19) VCF-style: chr19-17746943-T-G.
Other names: c.3099A>C, p.Pro1033= (NM_001387021.1, NM_001387022.1, NM_001387023.1).
Identifiers: ClinVar variation 3051197 (VCV003051197.2), dbSNP rs777963910, ClinGen allele CA9298087.